The following is an entry in ClinVar:

NM_001037.5(SCN1B):c.448+205del

Gene: SCN1B (sodium voltage-gated channel beta subunit 1; plus strand). Cytogenetic location: 19q13.11.
Variant type: Deletion.
Coding change: c.448+205del on transcript NM_001037.5 (MANE Select); 205 bases into the intron after coding-DNA position 448, one base deleted (G; older notation c.448+205delG).
Molecular consequence: intron variant. On other transcripts: frameshift variant (1).
Genome position (GRCh38, 1-based): chr19:35,033,944, G deleted. VCF-style (leftmost placement, unchanged base first): chr19-35033943-AG-A. GRCh37 (hg19) VCF-style: chr19-35524847-AG-A.
Other names: c.653del, p.Ser218fs (NM_199037.5); c.349+205del (NM_001321605.2); short protein forms S218fs.
Identifiers: ClinVar variation 942863 (VCV000942863.13), dbSNP rs764848712, ClinGen allele CA9372047.

ClinVar aggregate classification (germline): Uncertain significance. Review status: criteria provided, multiple submitters, no conflicts (2 of 4 stars). 2 submissions from 2 submitters: Uncertain significance (2). Last evaluated 2025-09-22.

Conditions:
Brugada syndrome 5 (BRGDA5). Identifiers: Orphanet 130, Orphanet 871, MedGen C2748541, MONDO:0013015, OMIM 612838.

Allele frequency attached by ClinVar (database versions not stated): gnomAD 0.00001; gnomAD exomes 0.00001; TOPMed 0.00001; ExAC 0.00004; ESP Exome Variant Server 0.00009.

Submissions (2):

GeneDx
Classification: Uncertain significance. Last evaluated: 2025-09-22. Review status: criteria provided, single submitter. Criteria: GeneDx Variant Classification Process June 2021. Collection method: clinical testing. Allele origin: germline. Affected: yes.
Comment: Reported in a patient with developmental delay, seizures and high myopia (PMID: 29056246); Frameshift variant predicted to result in abnormal protein length as the last 51 amino acids are replaced with 20 different amino acids; Not observed at significant frequency in large population cohorts (gnomAD); Reported using an alternate transcript of the gene; This variant is associated with the following publications: (PMID: 29056246)

Labcorp Genetics (formerly Invitae), Labcorp
Classification: Uncertain significance for Brugada syndrome 5. Last evaluated: 2024-12-17. Review status: criteria provided, single submitter. Criteria: Invitae Variant Classification Sherloc (09022015). Collection method: clinical testing. Allele origin: germline.
Comment: This sequence change creates a premature translational stop signal (p.Ser218Thrfs*21) in the SCN1B gene. While this is not anticipated to result in nonsense mediated decay, it is expected to disrupt the last 51 amino acid(s) of the SCN1B protein. This variant is present in population databases (rs764848712, gnomAD 0.01%). This premature translational stop signal has been observed in individual(s) with epilepsy (PMID: 29056246). ClinVar contains an entry for this variant (Variation ID: 942863). Experimental studies and prediction algorithms are not available or were not evaluated, and the functional significance of this variant is currently unknown. In summary, the available evidence is currently insufficient to determine the role of this variant in disease. Therefore, it has been classified as a Variant of Uncertain Significance.

Literature cited by the submitters: PubMed 29056246 (cited by Labcorp Genetics (formerly Invitae), Labcorp).